The following is an entry in ClinVar:

NM_001290208.3(ZNF717):c.1425G>A (p.Gly475=)

Gene: ZNF717 (zinc finger protein 717; minus strand). Cytogenetic location: 3p12.3.
Variant type: single nucleotide variant.
Coding change: c.1425G>A on transcript NM_001290208.3 (MANE Select); coding-DNA position 1425, G replaced by A.
Protein change: p.Gly475=; no amino-acid change (glycine 475 retained).
Molecular consequence: synonymous variant. On other transcripts: intron variant (3).
Genome position (GRCh38, 1-based): chr3:75,738,198, C>T on the plus strand (G>A on the coding strand, the complement: ZNF717 is on the minus strand). VCF-style: chr3-75738198-C-T. GRCh37 (hg19) VCF-style: chr3-75787349-C-T.
Other names: c.1425G>A, p.Gly475= (NM_001128223.3, NM_001324027.1); c.1275G>A, p.Gly425= (NM_001290209.3); c.277+3078G>A (NM_001290210.2, NM_001324026.2); c.256+3078G>A (NM_001324028.1).
Identifiers: ClinVar variation 4084859 (VCV004084859.8).

ClinVar aggregate classification (germline): Likely benign (1 of 4 stars; one submission).

Submission:

CeGaT Center for Human Genetics Tuebingen
Classification: Likely benign. Last evaluated: 2025-08-01. Review status: criteria provided, single submitter. Criteria: CeGaT Center For Human Genetics Tuebingen Variant Classification Criteria Version 2. Collection method: clinical testing. Allele origin: germline. Affected: yes. Observed: 1 variant allele.
Comment: ZNF717: PM2:Supporting, BP4, BP7